The following is an entry in ClinVar:

ClinVar aggregate classification (germline): Pathogenic/Likely pathogenic. Review status: criteria provided, multiple submitters, no conflicts (2 of 4 stars). 2 submissions from 2 submitters: Pathogenic (1); Likely pathogenic (1). Last evaluated 2023-12-27.

Conditions:
Combined immunodeficiency due to LRBA deficiency. Also called: Common variable immunodeficiency 8, with autoimmunity. Identifiers: Orphanet 445018, MedGen C3553512, MONDO:0013863, OMIM 614700.
LRBA-related disorder. Also called: LRBA-related condition.

Submissions (2):

Blueprint Genetics
Classification: Likely pathogenic for LRBA-related disorders. Last evaluated: 2023-12-27. Review status: criteria provided, single submitter. Criteria: ACMG Guidelines, 2015. Collection method: clinical testing. Allele origin: germline. Affected: yes. Observed: 1 variant allele.

Labcorp Genetics (formerly Invitae), Labcorp
Classification: Pathogenic for Combined immunodeficiency due to LRBA deficiency. Last evaluated: 2018-07-12. Review status: criteria provided, single submitter. Criteria: Invitae Variant Classification Sherloc (09022015). Collection method: clinical testing. Allele origin: germline.
Comment: For these reasons, this variant has been classified as Pathogenic. Loss-of-function variants in LRBA are known to be pathogenic (PMID: 26206937, 26768763). This variant has not been reported in the literature in individuals with LRBA-related disease. This variant is not present in population databases (ExAC no frequency). This sequence change creates a premature translational stop signal (p.Trp2347*) in the LRBA gene. It is expected to result in an absent or disrupted protein product.

Literature cited by the submitters: PubMed 26206937 (cited by Labcorp Genetics (formerly Invitae), Labcorp); PubMed 26768763 (cited by Labcorp Genetics (formerly Invitae), Labcorp).

NM_001364905.1(LRBA):c.7007G>A (p.Trp2336Ter)

Gene: LRBA (LPS responsive beige-like anchor protein; minus strand). Cytogenetic location: 4q31.3.
Variant type: single nucleotide variant.
Coding change: c.7007G>A on transcript NM_001364905.1 (MANE Select); coding-DNA position 7007, G replaced by A.
Protein change: p.Trp2336Ter; replaces tryptophan 2336 with a stop codon.
Molecular consequence: nonsense.
Genome position (GRCh38, 1-based): chr4:150,435,623, C>T on the plus strand (G>A on the coding strand, the complement: LRBA is on the minus strand). VCF-style: chr4-150435623-C-T. GRCh37 (hg19) VCF-style: chr4-151356775-C-T.
Other names: c.7007G>A, p.Trp2336Ter (NM_001199282.3, NM_001367550.1); c.7040G>A, p.Trp2347Ter (NM_006726.5); short protein forms W2347*, W2336*.
Identifiers: ClinVar variation 663178 (VCV000663178.7), dbSNP rs1581303476, ClinGen allele CA358600066.